The following is an entry in ClinVar:

NM_003579.4(RAD54L):c.826G>A (p.Glu276Lys)

Gene: RAD54L (RAD54 like; plus strand). Cytogenetic location: 1p34.1.
Variant type: single nucleotide variant.
Coding change: c.826G>A on transcript NM_003579.4 (MANE Select); coding-DNA position 826, G replaced by A.
Protein change: p.Glu276Lys; replaces glutamic acid 276 with lysine.
Molecular consequence: missense variant.
Genome position (GRCh38, 1-based): chr1:46,261,320, G>A. VCF-style: chr1-46261320-G-A. GRCh37 (hg19) VCF-style: chr1-46726992-G-A.
Other names: c.826G>A, p.Glu276Lys (NM_001142548.2); c.286G>A, p.Glu96Lys (NM_001370766.1); short protein forms E276K, E96K.
Identifiers: ClinVar variation 1762694 (VCV001762694.2), dbSNP rs2525672612, ClinGen allele CA340188951.

ClinVar aggregate classification (germline): Uncertain significance (1 of 4 stars; one submission).

Submission:

Ambry Genetics
Classification: Uncertain significance. Last evaluated: 2022-01-08. Review status: criteria provided, single submitter. Criteria: Ambry Variant Classification Scheme 2023. Collection method: clinical testing. Allele origin: germline.
Comment: The p.E276K variant (also known as c.826G>A), located in coding exon 8 of the RAD54L gene, results from a G to A substitution at nucleotide position 826. The glutamic acid at codon 276 is replaced by lysine, an amino acid with similar properties. This amino acid position is conserved. In addition, this alteration is predicted to be deleterious by in silico analysis. Since supporting evidence is limited at this time, the clinical significance of this alteration remains unclear.